The following is an entry in ClinVar:

ClinVar aggregate classification (germline): Benign/Likely benign. Review status: criteria provided, multiple submitters, no conflicts (2 of 4 stars). 4 submissions from 4 submitters: Benign (1); Likely benign (3). Last evaluated 2025-04-28.

Conditions:
Familial cancer of breast. Also called: hereditary breast carcinoma; Hereditary breast cancer; BREAST CANCER, FAMILIAL. Identifiers: Orphanet 227535, MedGen C0346153, MONDO:0016419, OMIM 114480. Disease mechanism: loss of function.
Hereditary cancer-predisposing syndrome. Also called: Tumor predisposition; Hereditary neoplastic syndrome; Neoplastic Syndromes, Hereditary; Hereditary Cancer Syndrome. Identifiers: Orphanet 140162, MedGen C0027672, MeSH D009386, MONDO:0015356.

Submissions (4):

Color Diagnostics, LLC DBA Color Health
Classification: Likely benign for Hereditary cancer-predisposing syndrome. Last evaluated: 2025-04-28. Review status: criteria provided, single submitter. Criteria: ACMG Guidelines, 2015. Collection method: clinical testing. Allele origin: germline.

Myriad Genetics, Inc.
Classification: Benign for Familial cancer of breast. Last evaluated: 2025-01-13. Review status: criteria provided, single submitter. Criteria: Myriad Autosomal Dominant, Autosomal Recessive and X-Linked Classification Criteria (2023). Collection method: clinical testing. Allele origin: unknown.
Comment: This variant is considered benign. This variant is a silent/synonymous amino acid change and it is not expected to impact splicing.

Labcorp Genetics (formerly Invitae), Labcorp
Classification: Likely benign for Familial cancer of breast. Last evaluated: 2024-12-25. Review status: criteria provided, single submitter. Criteria: Invitae Variant Classification Sherloc (09022015). Collection method: clinical testing. Allele origin: germline.

Ambry Genetics
Classification: Likely benign for Hereditary cancer-predisposing syndrome. Last evaluated: 2019-02-08. Review status: criteria provided, single submitter. Criteria: Ambry Variant Classification Scheme 2023. Collection method: clinical testing. Allele origin: germline.

NM_024675.4(PALB2):c.1495T>C (p.Leu499=)

Gene: PALB2 (partner and localizer of BRCA2; minus strand). Cytogenetic location: 16p12.2.
Variant type: single nucleotide variant.
Coding change: c.1495T>C on transcript NM_024675.4 (MANE Select); coding-DNA position 1495, T replaced by C.
Protein change: p.Leu499=; no amino-acid change (leucine 499 retained).
Molecular consequence: synonymous variant.
Genome position (GRCh38, 1-based): chr16:23,635,051, A>G on the plus strand (T>C on the coding strand, the complement: PALB2 is on the minus strand). VCF-style: chr16-23635051-A-G. GRCh37 (hg19) VCF-style: chr16-23646372-A-G.
Identifiers: ClinVar variation 819324 (VCV000819324.15), dbSNP rs1597095836, ClinGen allele CA494461346.